The following is an entry in ClinVar:

ClinVar aggregate classification (germline): Uncertain significance (1 of 4 stars; one submission).

gnomAD v4.1: 6 of 1,613,498 alleles (0.00037%); highest among the groups gnomAD compares: Non-Finnish European, 0.00051%; no homozygotes.

Submission:

Labcorp Genetics (formerly Invitae), Labcorp
Classification: Uncertain significance. Last evaluated: 2025-07-13. Review status: criteria provided, single submitter. Criteria: Invitae Variant Classification Sherloc (09022015). Collection method: clinical testing. Allele origin: germline.
Comment: This sequence change replaces valine, which is neutral and non-polar, with leucine, which is neutral and non-polar, at codon 823 of the DDX58 protein (p.Val823Leu). This variant is present in population databases (no rsID available, gnomAD 0.007%). This variant has not been reported in the literature in individuals affected with DDX58-related conditions. ClinVar contains an entry for this variant (Variation ID: 2111106). Invitae Evidence Modeling of protein sequence and biophysical properties (such as structural, functional, and spatial information, amino acid conservation, physicochemical variation, residue mobility, and thermodynamic stability) indicates that this missense variant is not expected to disrupt DDX58 protein function with a negative predictive value of 80%. In summary, the available evidence is currently insufficient to determine the role of this variant in disease. Therefore, it has been classified as a Variant of Uncertain Significance.

NM_014314.4(RIGI):c.2467G>C (p.Val823Leu)

Genes: RIGI (RNA sensor RIG-I; minus strand), LOC101060445 (uncharacterized LOC101060445; plus strand). Cytogenetic location: 9p21.1.
Variant type: single nucleotide variant.
Coding change: c.2467G>C on transcript NM_014314.4 (MANE Select); coding-DNA position 2467, G replaced by C.
Protein change: p.Val823Leu; replaces valine 823 with leucine.
Molecular consequence: missense variant.
Genome position (GRCh38, 1-based): chr9:32,459,385, C>G on the plus strand (G>C on the coding strand, the complement: RIGI is on the minus strand). VCF-style: chr9-32459385-C-G. GRCh37 (hg19) VCF-style: chr9-32459383-C-G.
Other names: c.2461G>C, p.Val821Leu (NM_001385907.1); c.2296G>C, p.Val766Leu (NM_001385909.1); c.2026G>C, p.Val676Leu (NM_001385910.1); c.1858G>C, p.Val620Leu (NM_001385912.1); c.2452G>C, p.Val818Leu (NM_001385913.1); c.2023G>C, p.Val675Leu (NM_001385914.1); short protein forms V620L, V821L, V675L, V676L, V766L, V818L, V823L.
Identifiers: ClinVar variation 2111106 (VCV002111106.4), dbSNP rs755657492, ClinGen allele CA373143895.